The following is an entry in ClinVar:

NM_003998.4(NFKB1):c.592C>T (p.Arg198Cys)

Gene: NFKB1 (nuclear factor kappa B subunit 1; plus strand). Cytogenetic location: 4q24.
Variant type: single nucleotide variant.
Coding change: c.592C>T on transcript NM_003998.4 (MANE Select); coding-DNA position 592, C replaced by T.
Protein change: p.Arg198Cys; replaces arginine 198 with cysteine.
Molecular consequence: missense variant.
Genome position (GRCh38, 1-based): chr4:102,578,901, C>T. VCF-style: chr4-102578901-C-T. GRCh37 (hg19) VCF-style: chr4-103500058-C-T.
Other names: c.589C>T, p.Arg197Cys (NM_001165412.2, NM_001319226.2, NM_001382627.1); c.592C>T, p.Arg198Cys (NM_001382625.1, NM_001382626.1); c.550C>T, p.Arg184Cys (NM_001382628.1); short protein forms R184C, R198C, R197C.
Identifiers: ClinVar variation 2960529 (VCV002960529.3), dbSNP rs370846760, ClinGen allele CA103128710.

ClinVar aggregate classification (germline): Uncertain significance (1 of 4 stars; one submission).

Allele frequency attached by ClinVar (database versions not stated): ESP Exome Variant Server 0.00008; gnomAD exomes 0.00001.
gnomAD v4.1: 16 of 1,613,920 alleles (0.00099%); highest among the groups gnomAD compares: South Asian, 0.0055%; no homozygotes.

Submission:

Labcorp Genetics (formerly Invitae), Labcorp
Classification: Uncertain significance. Last evaluated: 2025-12-28. Review status: criteria provided, single submitter. Criteria: Invitae Variant Classification Sherloc (09022015). Collection method: clinical testing. Allele origin: germline.
Comment: This sequence change replaces arginine, which is basic and polar, with cysteine, which is neutral and slightly polar, at codon 198 of the NFKB1 protein (p.Arg198Cys). This variant is present in population databases (rs370846760, gnomAD 0.006%). This variant has not been reported in the literature in individuals affected with NFKB1-related conditions. ClinVar contains an entry for this variant (Variation ID: 2960529). An algorithm developed to predict the effect of missense changes on protein structure and function (PolyPhen-2) suggests that this variant is likely to be tolerated. Experimental studies have shown that this missense change does not substantially affect NFKB1 function (PMID: 32278790). In summary, the available evidence is currently insufficient to determine the role of this variant in disease. Therefore, it has been classified as a Variant of Uncertain Significance.

Literature cited by the submitters: PubMed 32278790.